The following is an entry in ClinVar:

ClinVar aggregate classification (germline): Benign. Review status: criteria provided, multiple submitters, no conflicts (2 of 4 stars). 2 submissions from 2 submitters: Benign (2). Last evaluated 2018-01-13.

Conditions:
Immunodeficiency due to CD25 deficiency. Also called: IMMUNODEFICIENCY 41 WITH LYMPHOPROLIFERATION AND AUTOIMMUNITY; CD25 DEFICIENCY; IL2RA DEFICIENCY. Identifiers: Orphanet 169100, MedGen C1853392, MONDO:0011664, OMIM 606367.

Allele frequency attached by ClinVar (database versions not stated): gnomAD 0.00170 and 0.00415; TOPMed 0.00232; 1000 Genomes Project 30x 0.02264; 1000 Genomes Project 0.02436.

Submissions (2):

Illumina Laboratory Services, Illumina
Classification: Benign for Immunodeficiency due to CD25 deficiency. Last evaluated: 2018-01-13. Review status: criteria provided, single submitter. Criteria: ICSL Variant Classification Criteria 13 December 2019. Collection method: clinical testing. Allele origin: germline.
Comment: This variant was observed in the ICSL laboratory as part of a predisposition screen in an ostensibly healthy population. It had not been previously curated by ICSL or reported in the Human Gene Mutation Database (HGMD: prior to June 1st, 2018), and was therefore a candidate for classification through an automated scoring system. Utilizing variant allele frequency, disease prevalence and penetrance estimates, and inheritance mode, an automated score was calculated to assess if this variant is too frequent to cause the disease. Based on the score and internal cut-off values, a variant classified as benign is not then subjected to further curation. The score for this variant resulted in a classification of benign for this disease.

Breakthrough Genomics
Classification: Benign. Review status: criteria provided, single submitter. Criteria: ACMG Guidelines, 2015. Collection method: not provided. Allele origin: germline. Inheritance: Autosomal recessive inheritance. Affected: yes.

NM_000417.3(IL2RA):c.*1008G>A

Gene: IL2RA (interleukin 2 receptor subunit alpha; minus strand). Cytogenetic location: 10p15.1.
Variant type: single nucleotide variant.
Coding change: c.*1008G>A on transcript NM_000417.3 (MANE Select); 1008 bases downstream of the stop codon, G replaced by A.
Molecular consequence: 3 prime UTR variant.
Genome position (GRCh38, 1-based): chr10:6,011,864, C>T on the plus strand (G>A on the coding strand, the complement: IL2RA is on the minus strand). VCF-style: chr10-6011864-C-T. GRCh37 (hg19) VCF-style: chr10-6053827-C-T.
Other names: c.*1008G>A (NM_001308242.2, NM_001308243.2).
Identifiers: ClinVar variation 300233 (VCV000300233.6), dbSNP rs34164172, ClinGen allele CA10635989.